The following is an entry in ClinVar:

NM_001365068.1(ASTN2):c.2620G>A (p.Ala874Thr)

Gene: ASTN2 (astrotactin 2; minus strand). Cytogenetic location: 9q33.1.
Variant type: single nucleotide variant.
Coding change: c.2620G>A on transcript NM_001365068.1 (MANE Select); coding-DNA position 2620, G replaced by A.
Protein change: p.Ala874Thr; replaces alanine 874 with threonine.
Molecular consequence: missense variant.
Genome position (GRCh38, 1-based): chr9:116,728,998, C>T on the plus strand (G>A on the coding strand, the complement: ASTN2 is on the minus strand). VCF-style: chr9-116728998-C-T. GRCh37 (hg19) VCF-style: chr9-119491277-C-T.
Other names: c.2608G>A, p.Ala870Thr (NM_001365069.1); c.2467G>A, p.Ala823Thr (NM_014010.5); short protein forms A823T, A870T, A874T.
Identifiers: ClinVar variation 3058959 (VCV003058959.2), dbSNP rs72765708, ClinGen allele CA5211298.

ClinVar aggregate classification (germline): Benign (0 of 4 stars; one submission).

Conditions:
ASTN2-related disorder. Also called: ASTN2-related condition.

Allele frequency attached by ClinVar (database versions not stated): TOPMed 0.07340; gnomAD exomes 0.11678; 1000 Genomes Project 30x 0.04138; gnomAD 0.08973; ESP Exome Variant Server 0.09454; ExAC 0.15977; 1000 Genomes Project 0.04173.
gnomAD v4.1: 179,837 of 1,580,932 alleles (11%); highest among the groups gnomAD compares: Non-Finnish European, 13%; 11,767 homozygotes.

Submission:

PreventionGenetics, part of Exact Sciences
Classification: Benign for ASTN2-related condition. Last evaluated: 2019-10-18. Review status: no assertion criteria provided. Collection method: clinical testing. Allele origin: germline.
Comment: This variant is classified as benign based on ACMG/AMP sequence variant interpretation guidelines (Richards et al. 2015 PMID: 25741868, with internal and published modifications).